The following is an entry in ClinVar:

NM_170606.3(KMT2C):c.6776C>G (p.Pro2259Arg)

Gene: KMT2C (lysine methyltransferase 2C; minus strand). Cytogenetic location: 7q36.1.
Variant type: single nucleotide variant.
Coding change: c.6776C>G on transcript NM_170606.3 (MANE Select); coding-DNA position 6776, C replaced by G.
Protein change: p.Pro2259Arg; replaces proline 2259 with arginine.
Molecular consequence: missense variant.
Genome position (GRCh38, 1-based): chr7:152,181,084, G>C on the plus strand (C>G on the coding strand, the complement: KMT2C is on the minus strand). VCF-style: chr7-152181084-G-C. GRCh37 (hg19) VCF-style: chr7-151878169-G-C.
Other names: short protein forms P2259R.
Identifiers: ClinVar variation 3897515 (VCV003897515.1).

ClinVar aggregate classification (germline): Uncertain significance (1 of 4 stars; one submission).

gnomAD v4.1: 2 of 1,614,028 alleles (0.00012%); highest among the groups gnomAD compares: Admixed American, 0.0033%; no homozygotes.

Submission:

GeneDx
Classification: Uncertain significance. Last evaluated: 2024-10-31. Review status: criteria provided, single submitter. Criteria: GeneDx Variant Classification Process June 2021. Collection method: clinical testing. Allele origin: germline. Affected: yes.
Comment: In silico analysis supports that this missense variant has a deleterious effect on protein structure/function; Has not been previously published as pathogenic or benign to our knowledge